The following is an entry in ClinVar:

NM_020738.4(KIDINS220):c.4490C>A (p.Ser1497Tyr)

Gene: KIDINS220 (kinase D interacting substrate 220; minus strand). Cytogenetic location: 2p25.1.
Variant type: single nucleotide variant.
Coding change: c.4490C>A on transcript NM_020738.4 (MANE Select); coding-DNA position 4490, C replaced by A.
Protein change: p.Ser1497Tyr; replaces serine 1497 with tyrosine.
Molecular consequence: missense variant. On other transcripts: intron variant (6).
Genome position (GRCh38, 1-based): chr2:8,731,546, G>T on the plus strand (C>A on the coding strand, the complement: KIDINS220 is on the minus strand). VCF-style: chr2-8731546-G-T. GRCh37 (hg19) VCF-style: chr2-8871676-G-T.
Other names: c.4493C>A, p.Ser1498Tyr (NM_001348729.2); c.4436C>A, p.Ser1479Tyr (NM_001348731.2); c.4433C>A, p.Ser1478Tyr (NM_001348732.2); c.4322C>A, p.Ser1441Tyr (NM_001348734.2); c.4319C>A, p.Ser1440Tyr (NM_001348735.2); c.4193C>A, p.Ser1398Tyr (NM_001348736.2); c.3882+1898C>A (NM_001348741.2, NM_001348742.2, NM_001348743.2); c.3996+1898C>A (NM_001348738.2); and 1 more; short protein forms S1498Y, S1398Y, S1441Y, S1497Y, S1440Y, S1478Y, S1479Y.
Identifiers: ClinVar variation 2960431 (VCV002960431.3), dbSNP rs1315711083, ClinGen allele CA345764174.
Genomic context (GRCh38, chr2:8,731,546, plus strand): 5'-TGATAGCGCAGCCCACTTCCCTTAAGCTTCAAATCTGTCTGGAAGAGGCTTGACCTTTCG[G>T]AAGATTTCTTGCCTGGGAGAAGCTTACTGCCTGACTGATCTGATTTTTCATCTTCTTCAG-3'
Protein context (NP_065789.1, residues 1487-1507): GSKLLPGKKS[Ser1497Tyr]ERSSLFQTDL

ClinVar aggregate classification (germline): Uncertain significance (1 of 4 stars; one submission).

Submission:

Labcorp Genetics (formerly Invitae), Labcorp
Classification: Uncertain significance. Last evaluated: 2023-07-08. Review status: criteria provided, single submitter. Criteria: Invitae Variant Classification Sherloc (09022015). Collection method: clinical testing. Allele origin: germline.
Comment: In summary, the available evidence is currently insufficient to determine the role of this variant in disease. Therefore, it has been classified as a Variant of Uncertain Significance. An algorithm developed to predict the effect of missense changes on protein structure and function (PolyPhen-2) suggests that this variant is likely to be disruptive. This variant has not been reported in the literature in individuals affected with KIDINS220-related conditions. This variant is not present in population databases (gnomAD no frequency). This sequence change replaces serine, which is neutral and polar, with tyrosine, which is neutral and polar, at codon 1497 of the KIDINS220 protein (p.Ser1497Tyr).